The following is an entry in ClinVar:

NM_006648.4(WNK2):c.5917A>C (p.Ser1973Arg)

Gene: WNK2 (WNK lysine deficient protein kinase 2; plus strand). Cytogenetic location: 9q22.31.
Variant type: single nucleotide variant.
Coding change: c.5917A>C on transcript NM_006648.4 (MANE Select); coding-DNA position 5917, A replaced by C.
Protein change: p.Ser1973Arg; replaces serine 1973 with arginine.
Molecular consequence: missense variant.
Genome position (GRCh38, 1-based): chr9:93,298,061, A>C. VCF-style: chr9-93298061-A-C. GRCh37 (hg19) VCF-style: chr9-96060343-A-C.
Other names: c.6028A>C, p.Ser2010Arg (NM_001282394.3); short protein forms S1973R, S2010R.
Identifiers: ClinVar variation 4844904 (VCV004844904.1).
Genomic context (GRCh38, chr9:93,298,061, plus strand): 5'-AAGCTGAAGGCAGGCAAGCTGCTAAATCCCCTGGTGCGGCAGCTCAAGGTCGTGGCCTCC[A>C]GCACAGGTCGGCCTCCGGGTGCAGGGCTGGGATGGGAGCGGGGCTGGGGACCCCCGAGTG-3'
Protein context (NP_006639.3, residues 1963-1983): LVRQLKVVAS[Ser1973Arg]TGHLADSSRG

ClinVar aggregate classification (germline): Uncertain significance (1 of 4 stars; one submission).

Submission:

Ambry Genetics
Classification: Uncertain significance. Last evaluated: 2026-02-16. Review status: criteria provided, single submitter. Criteria: Ambry Variant Classification Scheme 2023. Collection method: clinical testing. Allele origin: germline.
Comment: The p.S1973R variant (also known as c.5917A>C), located in coding exon 23 of the WNK2 gene, results from an A to C substitution at nucleotide position 5917. The serine at codon 1973 is replaced by arginine, an amino acid with dissimilar properties. This amino acid position is conserved. In addition, the in silico prediction for this alteration is inconclusive. Based on the available evidence, the clinical significance of this variant remains unclear.